The following is an entry in ClinVar:

NM_015015.3(KDM4B):c.871A>G (p.Asn291Asp)

Gene: KDM4B (lysine demethylase 4B; plus strand). Cytogenetic location: 19p13.3.
Variant type: single nucleotide variant.
Coding change: c.871A>G on transcript NM_015015.3 (MANE Select); coding-DNA position 871, A replaced by G.
Protein change: p.Asn291Asp; replaces asparagine 291 with aspartic acid.
Molecular consequence: missense variant.
Genome position (GRCh38, 1-based): chr19:5,082,457, A>G. VCF-style: chr19-5082457-A-G. GRCh37 (hg19) VCF-style: chr19-5082468-A-G.
Other names: c.871A>G, p.Asn291Asp (NM_001370093.1, NM_001370094.1, NM_001411148.1); short protein forms N291D.
Identifiers: ClinVar variation 3252658 (VCV003252658.1), dbSNP rs2512424215.

ClinVar aggregate classification (germline): Uncertain significance (1 of 4 stars; one submission).

Submission:

GeneDx
Classification: Uncertain significance. Last evaluated: 2023-12-13. Review status: criteria provided, single submitter. Criteria: GeneDx Variant Classification Process June 2021. Collection method: clinical testing. Allele origin: germline. Affected: yes.
Comment: Has not been previously published as pathogenic or benign to our knowledge; Not observed at significant frequency in large population cohorts (gnomAD); In silico analysis supports that this missense variant has a deleterious effect on protein structure/function